The following is an entry in ClinVar:

NM_006445.4(PRPF8):c.432G>C (p.Trp144Cys)

Gene: PRPF8 (pre-mRNA processing factor 8; minus strand). Cytogenetic location: 17p13.3.
Variant type: single nucleotide variant.
Coding change: c.432G>C on transcript NM_006445.4 (MANE Select); coding-DNA position 432, G replaced by C.
Protein change: p.Trp144Cys; replaces tryptophan 144 with cysteine.
Molecular consequence: missense variant.
Genome position (GRCh38, 1-based): chr17:1,682,131, C>G on the plus strand (G>C on the coding strand, the complement: PRPF8 is on the minus strand). VCF-style: chr17-1682131-C-G. GRCh37 (hg19) VCF-style: chr17-1585425-C-G.
Other names: short protein forms W144C.
Identifiers: ClinVar variation 3900959 (VCV003900959.1).

ClinVar aggregate classification (germline): Uncertain significance (1 of 4 stars; one submission).

Submission:

GeneDx
Classification: Uncertain significance. Last evaluated: 2024-11-28. Review status: criteria provided, single submitter. Criteria: GeneDx Variant Classification Process June 2021. Collection method: clinical testing. Allele origin: germline. Affected: yes.
Comment: Not observed at significant frequency in large population cohorts (gnomAD); In silico analysis supports that this missense variant has a deleterious effect on protein structure/function; Has not been previously published as pathogenic or benign to our knowledge